The following is an entry in ClinVar:

NM_002582.4(PARN):c.270C>T (p.Phe90=)

Gene: PARN (poly(A)-specific ribonuclease; minus strand). Cytogenetic location: 16p13.12.
Variant type: single nucleotide variant.
Coding change: c.270C>T on transcript NM_002582.4 (MANE Select); coding-DNA position 270, C replaced by T.
Protein change: p.Phe90=; no amino-acid change (phenylalanine 90 retained).
Molecular consequence: synonymous variant. On other transcripts: intron variant (1).
Genome position (GRCh38, 1-based): chr16:14,627,163, G>A on the plus strand (C>T on the coding strand, the complement: PARN is on the minus strand). VCF-style: chr16-14627163-G-A. GRCh37 (hg19) VCF-style: chr16-14721020-G-A.
Other names: c.87C>T, p.Phe29= (NM_001134477.3); c.159-27C>T (NM_001242992.2).
Identifiers: ClinVar variation 1930058 (VCV001930058.5), dbSNP rs1972724336, ClinGen allele CA493441140.

ClinVar aggregate classification (germline): Uncertain significance (1 of 4 stars; one submission).

Conditions:
Dyskeratosis congenita, autosomal recessive 6 (DKCB6). Identifiers: MedGen C4225356, MONDO:0014600, OMIM 616353.
Pulmonary fibrosis and/or bone marrow failure, Telomere-related, 4. Also called: PULMONARY FIBROSIS AND/OR BONE MARROW FAILURE SYNDROME, TELOMERE-RELATED, 4. Identifiers: Orphanet 2032, MedGen C4225347, MONDO:0014612, OMIM 616371.

Submission:

Labcorp Genetics (formerly Invitae), Labcorp
Classification: Uncertain significance for Dyskeratosis congenita, autosomal recessive 6; Pulmonary fibrosis and/or bone marrow failure, Telomere-related, 4. Last evaluated: 2022-08-22. Review status: criteria provided, single submitter. Criteria: Invitae Variant Classification Sherloc (09022015). Collection method: clinical testing. Allele origin: germline.
Comment: In summary, the available evidence is currently insufficient to determine the role of this variant in disease. Therefore, it has been classified as a Variant of Uncertain Significance. Algorithms developed to predict the effect of sequence changes on RNA splicing suggest that this variant may create or strengthen a splice site. This variant has not been reported in the literature in individuals affected with PARN-related conditions. This variant is not present in population databases (gnomAD no frequency). This sequence change affects codon 90 of the PARN mRNA. It is a 'silent' change, meaning that it does not change the encoded amino acid sequence of the PARN protein.